The following is an entry in ClinVar:

ClinVar aggregate classification (germline): Uncertain significance (1 of 4 stars; one submission).

Conditions:
Intellectual disability, autosomal recessive 53 (NEDHSCA). Also called: NEURODEVELOPMENTAL DISORDER WITH OR WITHOUT HYPOTONIA, SEIZURES, AND CEREBELLAR ATROPHY; GLYCOSYLPHOSPHATIDYLINOSITOL BIOSYNTHESIS DEFECT 13; Mental retardation, autosomal recessive 53. Identifiers: Orphanet 488635, MedGen C4310794, MONDO:0014832, OMIM 616917.

Allele frequency attached by ClinVar (database versions not stated): TOPMed below 0.00001.
gnomAD v4.1: 4 of 1,614,032 alleles (0.00025%); highest among the groups gnomAD compares: Non-Finnish European, 0.00034%; no homozygotes.

Submission:

Labcorp Genetics (formerly Invitae), Labcorp
Classification: Uncertain significance for Intellectual disability, autosomal recessive 53. Last evaluated: 2022-06-03. Review status: criteria provided, single submitter. Criteria: Invitae Variant Classification Sherloc (09022015). Collection method: clinical testing. Allele origin: germline.
Comment: This variant has not been reported in the literature in individuals affected with PIGG-related conditions. This variant is not present in population databases (gnomAD no frequency). This sequence change replaces arginine, which is basic and polar, with glycine, which is neutral and non-polar, at codon 714 of the PIGG protein (p.Arg714Gly). ClinVar contains an entry for this variant (Variation ID: 1389251). In summary, the available evidence is currently insufficient to determine the role of this variant in disease. Therefore, it has been classified as a Variant of Uncertain Significance. Algorithms developed to predict the effect of missense changes on protein structure and function (SIFT, PolyPhen-2, Align-GVGD) all suggest that this variant is likely to be tolerated.

NM_001127178.3(PIGG):c.2140A>G (p.Arg714Gly)

Gene: PIGG (phosphatidylinositol glycan anchor biosynthesis class G (EMM blood group); plus strand). Cytogenetic location: 4p16.3.
Variant type: single nucleotide variant.
Coding change: c.2140A>G on transcript NM_001127178.3 (MANE Select); coding-DNA position 2140, A replaced by G.
Protein change: p.Arg714Gly; replaces arginine 714 with glycine.
Molecular consequence: missense variant. On other transcripts: non-coding transcript variant (10).
Genome position (GRCh38, 1-based): chr4:527,109, A>G. VCF-style: chr4-527109-A-G. GRCh37 (hg19) VCF-style: chr4-520898-A-G.
Other names: c.1873A>G, p.Arg625Gly (NM_001289051.2, NM_001345986.2); c.1741A>G, p.Arg581Gly (NM_001289052.2); c.1849A>G, p.Arg617Gly (NM_001345987.2); c.1111A>G, p.Arg371Gly (NM_001345988.2); c.607A>G, p.Arg203Gly (NM_001345990.2, NM_001345991.2); c.1042A>G, p.Arg348Gly (NM_001345994.2); c.2116A>G, p.Arg706Gly (NM_017733.5); short protein forms R348G, R371G, R625G, R706G, R617G, R714G, R203G, R581G.
Identifiers: ClinVar variation 1389251 (VCV001389251.6), dbSNP rs745497751, ClinGen allele CA355908577.
Genomic context (GRCh38, chr4:527,109, plus strand): 5'-AAAGCCGAGCTCTCTGTCCTGGCTGCCCTCTCCCTCCTCGTAGTTTTTGTGCTGGTGCAG[A>G]GGGGGTGCTCCCCTGTGTCCAAGGCTGCCCTGGCGCTGGGGCTGCTGGGCGTCTACTGCT-3'
Protein context (NP_001120650.1, residues 704-724): SLLVVFVLVQ[Arg714Gly]GCSPVSKAAL